The following is an entry in ClinVar:

NM_006206.6(PDGFRA):c.932-8C>T

Gene: PDGFRA (platelet derived growth factor receptor alpha; plus strand). Cytogenetic location: 4q12.
Variant type: single nucleotide variant.
Coding change: c.932-8C>T on transcript NM_006206.6 (MANE Select); 8 bases into the intron before coding-DNA position 932, C replaced by T.
Molecular consequence: intron variant.
Genome position (GRCh38, 1-based): chr4:54,267,544, C>T. VCF-style: chr4-54267544-C-T. GRCh37 (hg19) VCF-style: chr4-55133711-C-T.
Other names: c.1007-8C>T (NM_001347828.2); c.932-8C>T (NM_001347827.2, NM_001347829.2, NM_006206.5); c.971-8C>T (NM_001347830.2).
Identifiers: ClinVar variation 414515 (VCV000414515.18), dbSNP rs374863127, ClinGen allele CA2922435.
Genomic context (GRCh38, chr4:54,267,544, plus strand): 5'-CAGTTGTCCATGCTGCTCGGGATCCATATGTGGTAATCATTATTTAATGGAAACTCTTCC[C>T]TGTACAGAGAAAGGTTTCATTGAAATCAAACCCACCTTCAGCCAGTTGGAAGCTGTCAAC-3'

ClinVar aggregate classification (germline): Conflicting classifications of pathogenicity. Review status: criteria provided, conflicting classifications (1 of 4 stars). 5 submissions from 5 submitters: Uncertain significance (1); Likely benign (4). Last evaluated 2026-06-12.

Conditions:
PDGFRA-related disorder. Also called: PDGFRA-related condition.
Polyps, multiple and recurrent inflammatory fibroid, gastrointestinal. Identifiers: MedGen C5193005, MONDO:0008285, OMIM 175510.
Gastrointestinal stromal tumor. Also called: Gastrointestinal stroma tumor; Gastrointestinal stromal tumor, somatic. Identifiers: Orphanet 44890, MedGen C0238198, MeSH D046152, MONDO:0011719, OMIM 606764, HP:0100723.

Allele frequency attached by ClinVar (database versions not stated): gnomAD 0.00005; TOPMed 0.00006; ExAC 0.00008; ESP Exome Variant Server 0.00008; gnomAD exomes 0.00010.
gnomAD v4.1: 112 of 1,614,004 alleles (0.0069%); highest among the groups gnomAD compares: Middle Eastern, 0.066%; no homozygotes.

Submissions (5):

Myriad Genetics, Inc.
Classification: Likely benign for Polyps, multiple and recurrent inflammatory fibroid, gastrointestinal. Last evaluated: 2026-06-12. Review status: criteria provided, single submitter. Criteria: Myriad Autosomal Dominant, Autosomal Recessive and X-Linked Classification Criteria (2023). Collection method: clinical testing. Allele origin: unknown.
Comment: This variant is considered likely benign. This variant is intronic and is not expected to impact mRNA splicing.

Labcorp Genetics (formerly Invitae), Labcorp
Classification: Likely benign for Gastrointestinal stromal tumor. Last evaluated: 2026-01-25. Review status: criteria provided, single submitter. Criteria: Invitae Variant Classification Sherloc (09022015). Collection method: clinical testing. Allele origin: germline.

PreventionGenetics, part of Exact Sciences
Classification: Likely benign for PDGFRA-related condition. Last evaluated: 2025-09-29. Review status: criteria provided, single submitter. Criteria: ACMG Guidelines, 2015. Collection method: clinical testing. Allele origin: germline.
Comment: This variant is classified as likely benign based on ACMG/AMP sequence variant interpretation guidelines (Richards et al. 2015 PMID: 25741868, with internal and published modifications).

Blueprint Genetics
Classification: Likely benign. Last evaluated: 2024-10-08. Review status: criteria provided, single submitter. Criteria: ACMG Guidelines, 2015. Collection method: clinical testing. Allele origin: germline.

Institute for Clinical Genetics, University Hospital TU Dresden, University Hospital TU Dresden
Classification: Uncertain significance. Last evaluated: 2021-11-03. Review status: criteria provided, single submitter. Criteria: ACMG Guidelines, 2015. Collection method: clinical testing. Allele origin: germline.